The following is an entry in ClinVar:

NM_025077.4(TOE1):c.371C>T (p.Thr124Ile)

Gene: TOE1 (target of EGR1, exonuclease; plus strand). Cytogenetic location: 1p34.1.
Variant type: single nucleotide variant.
Coding change: c.371C>T on transcript NM_025077.4 (MANE Select); coding-DNA position 371, C replaced by T.
Protein change: p.Thr124Ile; replaces threonine 124 with isoleucine.
Molecular consequence: missense variant.
Genome position (GRCh38, 1-based): chr1:45,341,986, C>T. VCF-style: chr1-45341986-C-T. GRCh37 (hg19) VCF-style: chr1-45807658-C-T.
Other names: c.371C>T (NM_025077.3); short protein forms T124I.
Identifiers: ClinVar variation 2422109 (VCV002422109.8), dbSNP rs759648047, ClinGen allele CA340139045.

ClinVar aggregate classification (germline): Uncertain significance. Review status: criteria provided, multiple submitters, no conflicts (2 of 4 stars). 2 submissions from 2 submitters: Uncertain significance (2). Last evaluated 2023-06-30.

Conditions:
Inborn genetic diseases. Identifiers: MedGen C0950123, MeSH D030342.

Allele frequency attached by ClinVar (database versions not stated): gnomAD exomes below 0.00001.
gnomAD v4.1: 3 of 1,614,096 alleles (0.00019%); highest among the groups gnomAD compares: Non-Finnish European, 0.00017%; no homozygotes.

Submissions (2):

Ambry Genetics
Classification: Uncertain significance for Inborn genetic diseases. Last evaluated: 2023-06-30. Review status: criteria provided, single submitter. Criteria: Ambry Variant Classification Scheme 2023. Collection method: clinical testing. Allele origin: germline.

Labcorp Genetics (formerly Invitae), Labcorp
Classification: Uncertain significance. Last evaluated: 2022-05-03. Review status: criteria provided, single submitter. Criteria: Invitae Variant Classification Sherloc (09022015). Collection method: clinical testing. Allele origin: germline.
Comment: This variant is not present in population databases (gnomAD no frequency). In summary, the available evidence is currently insufficient to determine the role of this variant in disease. Therefore, it has been classified as a Variant of Uncertain Significance. Algorithms developed to predict the effect of missense changes on protein structure and function (SIFT, PolyPhen-2, Align-GVGD) all suggest that this variant is likely to be tolerated. This variant has not been reported in the literature in individuals affected with TOE1-related conditions. This sequence change replaces threonine, which is neutral and polar, with isoleucine, which is neutral and non-polar, at codon 124 of the TOE1 protein (p.Thr124Ile).